The following is an entry in ClinVar:

ClinVar aggregate classification (germline): Uncertain significance. Review status: criteria provided, multiple submitters, no conflicts (2 of 4 stars). 3 submissions from 3 submitters: Uncertain significance (3). Last evaluated 2026-04-09.

Conditions:
Inborn genetic diseases. Identifiers: MedGen C0950123, MeSH D030342.
NAA15-related disorder.

gnomAD v4.1: 1 of 1,592,976 alleles (0.000063%); no homozygotes.

Submissions (3):

PreventionGenetics, part of Exact Sciences
Classification: Uncertain significance for NAA15-related condition. Last evaluated: 2026-04-09. Review status: criteria provided, single submitter. Criteria: ACMG Guidelines, 2015. Collection method: clinical testing. Allele origin: germline.
Comment: The NAA15 c.1427T>C variant is predicted to result in the amino acid substitution p.Val476Ala. To our knowledge, this variant has not been reported in the literature or in a large population database (gnomAD), indicating this variant is rare. At this time, the clinical significance of this variant is uncertain due to the absence of conclusive functional and genetic evidence.

Ambry Genetics
Classification: Uncertain significance for Inborn genetic diseases. Last evaluated: 2025-06-18. Review status: criteria provided, single submitter. Criteria: Ambry Variant Classification Scheme 2023. Collection method: clinical testing. Allele origin: germline.

Labcorp Genetics (formerly Invitae), Labcorp
Classification: Uncertain significance. Last evaluated: 2024-10-23. Review status: criteria provided, single submitter. Criteria: Invitae Variant Classification Sherloc (09022015). Collection method: clinical testing. Allele origin: germline.
Comment: This sequence change replaces valine, which is neutral and non-polar, with alanine, which is neutral and non-polar, at codon 476 of the NAA15 protein (p.Val476Ala). This variant is not present in population databases (gnomAD no frequency). This variant has not been reported in the literature in individuals affected with NAA15-related conditions. An algorithm developed to predict the effect of missense changes on protein structure and function (PolyPhen-2) suggests that this variant is likely to be tolerated. In summary, the available evidence is currently insufficient to determine the role of this variant in disease. Therefore, it has been classified as a Variant of Uncertain Significance.

NM_057175.5(NAA15):c.1427T>C (p.Val476Ala)

Gene: NAA15 (N-alpha-acetyltransferase 15, NatA auxiliary subunit; plus strand). Cytogenetic location: 4q31.1.
Variant type: single nucleotide variant.
Coding change: c.1427T>C on transcript NM_057175.5 (MANE Select); coding-DNA position 1427, T replaced by C.
Protein change: p.Val476Ala; replaces valine 476 with alanine.
Molecular consequence: missense variant.
Genome position (GRCh38, 1-based): chr4:139,360,516, T>C. VCF-style: chr4-139360516-T-C. GRCh37 (hg19) VCF-style: chr4-140281670-T-C.
Other names: c.1427T>C (NM_057175.3); c.1427T>C, p.Val476Ala (NM_001410842.1); short protein forms V476A.
Identifiers: ClinVar variation 3604604 (VCV003604604.4).
Genomic context (GRCh38, chr4:139,360,516, plus strand): 5'-TCTATGATAAAAAGTGATCTTGAAAATATTTGATTTCTGTATAGGAAGGAACATCAGCGG[T>C]AGAGAATTTGAATGAAATGCAGTGCATGTGGTTCCAAACAGAATGTGCCCAGGCTTATAA-3'
Protein context (NP_476516.1, residues 466-486): SKFTREGTSA[Val476Ala]ENLNEMQCMW